The following is an entry in ClinVar:

ClinVar aggregate classification (germline): Likely pathogenic. Review status: reviewed by expert panel (3 of 4 stars). 2 submissions from 2 submitters: Likely pathogenic (1). 1 of the submissions does not count toward it. Last evaluated 2024-03-07.

Conditions:
Glanzmann thrombasthenia. Also called: BLEEDING DISORDER, PLATELET-TYPE, 2; THROMBASTHENIA OF GLANZMANN AND NAEGELI; Thrombasthenia; PLATELET GLYCOPROTEIN IIb-IIIa DEFICIENCY; Glanzmann's thrombasthenia. Identifiers: Orphanet 849, MedGen C0040015, MONDO:0100326.

Allele frequency attached by ClinVar (database versions not stated): gnomAD 0.00001; gnomAD exomes 0.00001; TOPMed 0.00001.
gnomAD v4.1: 12 of 1,613,506 alleles (0.00074%); highest among the groups gnomAD compares: Non-Finnish European, 0.00093%; no homozygotes.

Submissions (2):

ClinGen Platelet Disorders Variant Curation Expert Panel, ClinGen
Classification: Likely pathogenic for Glanzmann thrombasthenia. Last evaluated: 2024-03-07. Review status: reviewed by expert panel. Criteria: ClinGen Platelet ACMG Specifications v2-1. Collection method: curation. Allele origin: germline. Inheritance: Autosomal recessive inheritance.
Comment: The NM_000419.5(ITGA2B):c.409-1G>A splice variant is predicted to result in the skipping of exon 4 of 30, causing a frameshift with a premature stop codon in the next exon which is predicted to result to in NMD. The variant has been reported in at least one GT patient (PMID: 31064749). The highest population minor allele frequency in gnomADv4.0 is 0.000009322 (11/1,180,002 alleles) in the European (non-Finnish) population, which is lower than the ClinGen PD VCEP threshold (<0.0001; PM2_Supporting). In summary, this variant meets criteria to be classified as likely pathogenic for GT. GT-specific criteria applied: PM2_Supporting and PVS1.

NIHR Bioresource Rare Diseases, University of Cambridge
Classification: Pathogenic for Glanzmann thrombasthenia 1. Last evaluated: 2019-02-01. Review status: criteria provided, single submitter. Criteria: ACMG Guidelines, 2015. Collection method: research. Allele origin: unknown. Affected: yes. Observed: 1 compound heterozygote. Study: ThromboGenomics. Not counted in ClinVar's aggregate classification.

Literature cited by the submitters: PubMed 31064749 (cited by NIHR Bioresource Rare Diseases, University of Cambridge).

NM_000419.5(ITGA2B):c.409-1G>A

Genes: ITGA2B (integrin subunit alpha 2b; minus strand), LOC130060983 (ATAC-STARR-seq lymphoblastoid active region 12261; plus strand). Cytogenetic location: 17q21.31.
Variant type: single nucleotide variant.
Coding change: c.409-1G>A on transcript NM_000419.5 (MANE Select); the canonical splice acceptor site of the intron before coding-DNA position 409, G replaced by A.
Molecular consequence: splice acceptor variant.
Genome position (GRCh38, 1-based): chr17:44,385,717, C>T on the plus strand (G>A on the coding strand, the complement: ITGA2B is on the minus strand). VCF-style: chr17-44385717-C-T. GRCh37 (hg19) VCF-style: chr17-42463085-C-T.
Identifiers: ClinVar variation 627063 (VCV000627063.4), dbSNP rs1393747638, ClinGen allele CA399806056.
Genomic context (GRCh38, chr17:44,385,717, plus strand): 5'-CGTCTTCTCAGCCTCCTCAGTCTTTTCTAGGACGTTCCAGTGCTGCCAGGGGGCGCAGGC[C>T]TGGAGAAAGGCCACAGGAGTGGGGACGGGCGCGAGACTTGGGCTCCTCCTGGCCCCAGGT-3'